The following is an entry in ClinVar:

NM_020964.3(EPG5):c.5045_5057dup (p.Arg1686_His1687insTer)

Gene: EPG5 (ectopic P-granules 5 autophagy tethering factor; minus strand). Cytogenetic location: 18q12.3.
Variant type: Duplication.
Coding change: c.5045_5057dup on transcript NM_020964.3 (MANE Select); coding-DNA positions 5045 to 5057, 13 bases duplicated (ATGAGACGCAGCG).
Protein change: p.Arg1686_His1687insTer.
Molecular consequence: nonsense, inframe insertion.
Genome position (GRCh38, 1-based): chr18:45,887,803-45,887,815, CGCTGCGTCTCAT duplicated on the plus strand (ATGAGACGCAGCG on the coding strand, the reverse complement: EPG5 is on the minus strand); duplicating any 13 consecutive bases within chr18:45,887,803-45,887,820 gives the same sequence; the c. name uses the placement nearest the transcript's 3' end. VCF-style (leftmost placement, unchanged base first): chr18-45887802-A-ACGCTGCGTCTCAT. GRCh37 (hg19) VCF-style: chr18-43467767-A-ACGCTGCGTCTCAT.
Other names: c.5045_5057dup, p.Arg1686_His1687insTer (NM_001410858.1, NM_001410859.1).
Identifiers: ClinVar variation 2865285 (VCV002865285.3), dbSNP rs2511625549, ClinGen allele CA2739268733.
Genomic context (GRCh38, chr18:45,887,802, plus strand): 5'-TAGCCTTACCTGTCCCAAGATCTCAATACATGAAGTAAAGAACTGCCTTGTTGGGGGATG[A>ACGCTGCGTCTCAT]CGCTGCGTCTCATCGCTGACGTAATCCACAATAGTAAAGAAAAGGCTAATGCCAACTTTC-3'

ClinVar aggregate classification (germline): Pathogenic (1 of 4 stars; one submission).

Conditions:
Vici syndrome (VICIS). Identifiers: Orphanet 1493, MedGen C1855772, MONDO:0009452, OMIM 242840.

Submission:

Labcorp Genetics (formerly Invitae), Labcorp
Classification: Pathogenic for Vici syndrome. Last evaluated: 2023-05-17. Review status: criteria provided, single submitter. Criteria: Invitae Variant Classification Sherloc (09022015). Collection method: clinical testing. Allele origin: germline.
Comment: For these reasons, this variant has been classified as Pathogenic. This variant has not been reported in the literature in individuals affected with EPG5-related conditions. This variant is not present in population databases (gnomAD no frequency). This sequence change creates a premature translational stop signal (p.His1687*) in the EPG5 gene. It is expected to result in an absent or disrupted protein product. Loss-of-function variants in EPG5 are known to be pathogenic (PMID: 23222957, 23674064).

Literature cited by the submitters: PubMed 23222957; PubMed 23674064.